The following is an entry in ClinVar:

ClinVar aggregate classification (germline): Benign (1 of 4 stars; one submission).

gnomAD v4.1: 85 of 454,052 alleles (0.019%); highest among the groups gnomAD compares: Admixed American, 0.18%; 1 homozygote.

Submission:

Athena Diagnostics
Classification: Benign. Last evaluated: 2025-04-18. Review status: criteria provided, single submitter. Criteria: Athena Diagnostics Criteria. Collection method: clinical testing. Allele origin: unknown.
Comment: The frequency of this variant in the general population is higher than would generally be expected for pathogenic variants in this gene.

NM_198904.4(GABRG2):c.631+1242C>T

Gene: GABRG2 (gamma-aminobutyric acid type A receptor subunit gamma2; plus strand). Cytogenetic location: 5q34.
Variant type: single nucleotide variant.
Coding change: c.631+1242C>T on transcript NM_198904.4 (MANE Select); 1242 bases into the intron after coding-DNA position 631, C replaced by T.
Molecular consequence: intron variant. On other transcripts: missense variant (2).
Genome position (GRCh38, 1-based): chr5:162,102,559, C>T. VCF-style: chr5-162102559-C-T. GRCh37 (hg19) VCF-style: chr5-161529565-C-T.
Other names: c.637C>T, p.Arg213Cys (NM_001375343.1, NM_198903.2); c.346+1242C>T (NM_001375349.1); c.631+1242C>T (NM_001375344.1, NM_001375340.1, NM_001375341.1 and 2 more transcripts); c.211+1242C>T (NM_001375350.1, NM_001375348.1); c.622+1242C>T (NM_001375339.1); c.565+1242C>T (NM_001375346.1, NM_001375345.1); c.544+1242C>T (NM_001375347.1); short protein forms R213C.
Identifiers: ClinVar variation 4682427 (VCV004682427.1).